The following is an entry in ClinVar:

NM_017799.4(TMEM260):c.1544_1547delAACA (p.Gln516fs)

Gene: TMEM260 (transmembrane protein 260; plus strand). Cytogenetic location: 14q22.3.
Variant type: Deletion.
Coding change: c.1544_1547delAACA on transcript NM_017799.4 (MANE Select); coding-DNA positions 1544 to 1547, 4 bases deleted (AACA).
Protein change: p.Gln516fs; shifts the reading frame from glutamine 516.
Molecular consequence: frameshift variant.
Genome position (GRCh38, 1-based): chr14:56,625,527-56,625,530, AACA deleted; deleting any 4 consecutive bases within chr14:56,625,526-56,625,530 gives the same sequence; the c. name uses the placement nearest the transcript's 3' end. VCF-style (leftmost placement, unchanged base first): chr14-56625525-TAAAC-T. GRCh37 (hg19) VCF-style: chr14-57092243-TAAAC-T.
Other names: short protein forms Q516fs.
Identifiers: ClinVar variation 4979793 (VCV004979793.1).

ClinVar aggregate classification (germline): Likely pathogenic (1 of 4 stars; one submission).

Conditions:
TMEM260-related disorder. Also called: TMEM260-related condition.

Submission:

PreventionGenetics, part of Exact Sciences
Classification: Likely pathogenic for TMEM260-related condition. Last evaluated: 2026-07-24. Review status: criteria provided, single submitter. Criteria: ACMG Guidelines, 2015. Collection method: clinical testing. Allele origin: germline.
Comment: The TMEM260 c.1544_1547delAACA variant is predicted to result in a frameshift and premature protein termination (p.Gln516Lysfs*7). To our knowledge, this variant has not been reported in the literature. This variant is reported in 0.00090% of alleles in individuals of European (Non-Finnish) descent in gnomAD. Frameshift variants in TMEM260 are expected to be pathogenic. This variant is interpreted as likely pathogenic.